The following is an entry in ClinVar:

NM_014000.3(VCL):c.1798A>C (p.Ser600Arg)

Gene: VCL (vinculin; plus strand). Cytogenetic location: 10q22.2.
Variant type: single nucleotide variant.
Coding change: c.1798A>C on transcript NM_014000.3 (MANE Select); coding-DNA position 1798, A replaced by C.
Protein change: p.Ser600Arg; replaces serine 600 with arginine.
Molecular consequence: missense variant.
Genome position (GRCh38, 1-based): chr10:74,097,258, A>C. VCF-style: chr10-74097258-A-C. GRCh37 (hg19) VCF-style: chr10-75857016-A-C.
Other names: p.S600R:AGC>CGC; c.1798A>C, p.Ser600Arg (NM_003373.4); short protein forms S600R.
Identifiers: ClinVar variation 45591 (VCV000045591.13), dbSNP rs397517236, ClinGen allele CA136727.
Genomic context (GRCh38, chr10:74,097,258, plus strand): 5'-TTTAAGGATCTAAAAGCTCGGATGCAGGAGGCCATGACTCAGGAAGTGTCAGATGTTTTC[A>C]GCGATACCACAACTCCCATCAAGCTGTTGGCAGTGGCAGCCACGGCGCCTCCTGATGCGC-3'
Protein context (NP_054706.1, residues 590-610): AMTQEVSDVF[Ser600Arg]DTTTPIKLLA

ClinVar aggregate classification (germline): Uncertain significance. Review status: criteria provided, multiple submitters, no conflicts (2 of 4 stars). 6 submissions from 6 submitters: Uncertain significance (6). Last evaluated 2025-12-02.

Conditions:
Cardiomyopathy (CMYO). Also called: Cardiomyopathies. Identifiers: Orphanet 167848, MedGen C0878544, MONDO:0004994, HP:0001638. Inheritance: Various modes of inheritance.
Dilated cardiomyopathy 1W (CMD1W). Identifiers: Orphanet 154, MedGen C1969639, MONDO:0012667, OMIM 611407.

Allele frequency attached by ClinVar (database versions not stated): gnomAD exomes below 0.00001; TOPMed below 0.00001; gnomAD 0.00001.
gnomAD v4.1: 1 of 1,614,154 alleles (0.000062%); highest among the groups gnomAD compares: African/African-American, 0.0013%; no homozygotes.

Submissions (6):

Labcorp Genetics (formerly Invitae), Labcorp
Classification: Uncertain significance for Dilated cardiomyopathy 1W. Last evaluated: 2025-12-02. Review status: criteria provided, single submitter. Criteria: Invitae Variant Classification Sherloc (09022015). Collection method: clinical testing. Allele origin: germline.
Comment: This sequence change replaces serine, which is neutral and polar, with arginine, which is basic and polar, at codon 600 of the VCL protein (p.Ser600Arg). This variant is present in population databases (rs397517236, gnomAD 0.007%). This missense change has been observed in individual(s) with clinical features of left ventricular noncompaction (PMID: 33500567). ClinVar contains an entry for this variant (Variation ID: 45591). An algorithm developed to predict the effect of missense changes on protein structure and function (PolyPhen-2) suggests that this variant is likely to be disruptive. In summary, the available evidence is currently insufficient to determine the role of this variant in disease. Therefore, it has been classified as a Variant of Uncertain Significance.

GeneDx
Classification: Uncertain significance. Last evaluated: 2025-09-16. Review status: criteria provided, single submitter. Criteria: GeneDx Variant Classification Process June 2021. Collection method: clinical testing. Allele origin: germline. Affected: yes.
Comment: Reported in a cohort of patients with left ventricular noncompaction; however, additional clinical information was not provided (PMID: 33500567); In silico analysis suggests that this missense variant does not alter protein structure/function; Not observed at significant frequency in large population cohorts (gnomAD); This variant is associated with the following publications: (PMID: 33500567)

Women's Health and Genetics/Laboratory Corporation of America, LabCorp
Classification: Uncertain significance. Last evaluated: 2021-11-29. Review status: criteria provided, single submitter. Criteria: LabCorp Variant Classification Summary - May 2015. Collection method: clinical testing. Allele origin: germline.

CHEO Genetics Diagnostic Laboratory, Children's Hospital of Eastern Ontario
Classification: Uncertain significance for Cardiomyopathy. Last evaluated: 2016-04-22. Review status: criteria provided, single submitter. Criteria: ACMG Guidelines, 2015. Collection method: clinical testing. Allele origin: germline. Study: Canadian Open Genetics Repository.

Biesecker Lab/Clinical Genomics Section, National Institutes of Health
Classification: Uncertain significance. Last evaluated: 2013-06-24. Review status: criteria provided, single submitter. Criteria: Ng et al. (Circ Cardiovasc Genet. 2013). Collection method: research. Allele origin: unknown. Observed: 1 variant allele. Study: ClinSeq.
Comment: The study set was not selected for affection status in relation to any cancer. Pathogenicity categories were based on literature curation. See Pubmed ID:23861362 for details.

Medical sequencing

Laboratory for Molecular Medicine, Mass General Brigham Personalized Medicine
Classification: Uncertain significance. Last evaluated: 2010-03-16. Review status: criteria provided, single submitter. Criteria: LMM Criteria. Collection method: clinical testing. Allele origin: germline. Observed: 1 variant allele.

Literature cited by the submitters: PubMed 33500567 (cited by Labcorp Genetics (formerly Invitae), Labcorp).